The following is an entry in ClinVar:

NM_001330260.2(SCN8A):c.4949C>T (p.Ala1650Val)

Gene: SCN8A (sodium voltage-gated channel alpha subunit 8; plus strand). Cytogenetic location: 12q13.13.
Variant type: single nucleotide variant.
Coding change: c.4949C>T on transcript NM_001330260.2 (MANE Select); coding-DNA position 4949, C replaced by T.
Protein change: p.Ala1650Val; replaces alanine 1650 with valine.
Molecular consequence: missense variant.
Genome position (GRCh38, 1-based): chr12:51,806,435, C>T. VCF-style: chr12-51806435-C-T. GRCh37 (hg19) VCF-style: chr12-52200219-C-T.
Other names: p.A1650V:GCC>GTC; c.4826C>T, p.Ala1609Val (NM_001177984.3, NM_001369788.1); c.4949C>T, p.Ala1650Val (NM_014191.4); short protein forms A1650V, A1609V.
Identifiers: ClinVar variation 207127 (VCV000207127.4), dbSNP rs796053224, ClinGen allele CA318292.

ClinVar aggregate classification (germline): Pathogenic/Likely pathogenic. Review status: criteria provided, multiple submitters, no conflicts (2 of 4 stars). 2 submissions from 2 submitters: Pathogenic (1); Likely pathogenic (1). Last evaluated 2024-07-22.

Conditions:
Early-infantile DEE. Also called: Ohtahara syndrome; Early infantile epileptic encephalopathy; Early infantile epileptic encephalopathy with suppression bursts. Identifiers: Orphanet 1934, MedGen C0393706, MONDO:0800491.

Submissions (2):

Labcorp Genetics (formerly Invitae), Labcorp
Classification: Likely pathogenic for Early-infantile DEE. Last evaluated: 2024-07-22. Review status: criteria provided, single submitter. Criteria: Invitae Variant Classification Sherloc (09022015). Collection method: clinical testing. Allele origin: germline.
Comment: This sequence change replaces alanine, which is neutral and non-polar, with valine, which is neutral and non-polar, at codon 1650 of the SCN8A protein (p.Ala1650Val). This variant is not present in population databases (gnomAD no frequency). This missense change has been observed in individual(s) with SCN8A-related conditions (PMID: 31904124). ClinVar contains an entry for this variant (Variation ID: 207127). Advanced modeling of protein sequence and biophysical properties (such as structural, functional, and spatial information, amino acid conservation, physicochemical variation, residue mobility, and thermodynamic stability) performed at Invitae indicates that this missense variant is expected to disrupt SCN8A protein function with a positive predictive value of 95%. This variant disrupts the p.Ala1650 amino acid residue in SCN8A. Other variant(s) that disrupt this residue have been determined to be pathogenic (PMID: 24888894, 29655203, 30171078, 32090326). This suggests that this residue is clinically significant, and that variants that disrupt this residue are likely to be disease-causing. In summary, the currently available evidence indicates that the variant is pathogenic, but additional data are needed to prove that conclusively. Therefore, this variant has been classified as Likely Pathogenic.

GeneDx
Classification: Pathogenic. Last evaluated: 2013-10-18. Review status: criteria provided, single submitter. Criteria: GeneDx Variant Classification (06012015). Collection method: clinical testing. Allele origin: germline. Affected: yes.
Comment: p.Ala1650Val (GCC>GTC): c.4949 C>T in exon 27 of the SCN8A gene (NM_014191.3). The Ala1650Val missense change has not been published as a mutation, nor has it been reported as a benign polymorphism to our knowledge. It was not observed in approximately 6,500 individuals of European and African American ancestry in the NHLBI Exome Sequencing Project, indicating it is not a common benign variant in these populations. This variant is a conservative substitution of one uncharged, non-polar amino acid for another. It alters a highly conserved position between the S4 and S5 subunits of the forth transmembrane domain. In silico analysis predicts this variant is probably damaging to the protein structure/function. This variant has been observed de novo without verified parentage. The variant is found in EPILEPSY panel(s).

Literature cited by the submitters: PubMed 31904124 (cited by Labcorp Genetics (formerly Invitae), Labcorp); PubMed 24888894 (cited by Labcorp Genetics (formerly Invitae), Labcorp); PubMed 29655203 (cited by Labcorp Genetics (formerly Invitae), Labcorp); PubMed 30171078 (cited by Labcorp Genetics (formerly Invitae), Labcorp); PubMed 32090326 (cited by Labcorp Genetics (formerly Invitae), Labcorp).